The following is an entry in ClinVar:

ClinVar aggregate classification (germline): Uncertain significance. Review status: criteria provided, multiple submitters, no conflicts (2 of 4 stars). 9 submissions from 9 submitters: Uncertain significance (8). 1 of the submissions does not count toward it. Last evaluated 2026-01-23.

Conditions:
Glucose-6-phosphate transport defect (GSD1B). Also called: Glycogen Storage Disease Type Ib; GSD Ib. Identifiers: Orphanet 364, Orphanet 79259, MedGen C0268146, MONDO:0009288, OMIM 232220.
Inborn genetic diseases. Identifiers: MedGen C0950123, MeSH D030342.

Allele frequency attached by ClinVar (database versions not stated): TOPMed 0.00039; ESP Exome Variant Server 0.00040.

Submissions (9):

Women's Health and Genetics/Laboratory Corporation of America, LabCorp
Classification: Uncertain significance. Last evaluated: 2026-01-23. Review status: criteria provided, single submitter. Criteria: LabCorp Variant Classification Summary - May 2015. Collection method: clinical testing. Allele origin: germline.

Labcorp Genetics (formerly Invitae), Labcorp
Classification: Uncertain significance for Glucose-6-phosphate transport defect. Last evaluated: 2026-01-15. Review status: criteria provided, single submitter. Criteria: Invitae Variant Classification Sherloc (09022015). Collection method: clinical testing. Allele origin: germline.
Comment: This sequence change replaces serine, which is neutral and polar, with arginine, which is basic and polar, at codon 164 of the SLC37A4 protein (p.Ser164Arg). This variant is present in population databases (rs369399624, gnomAD 0.04%). This variant has not been reported in the literature in individuals affected with SLC37A4-related conditions. ClinVar contains an entry for this variant (Variation ID: 496949). Invitae Evidence Modeling of protein sequence and biophysical properties (such as structural, functional, and spatial information, amino acid conservation, physicochemical variation, residue mobility, and thermodynamic stability) indicates that this missense variant is not expected to disrupt SLC37A4 protein function with a negative predictive value of 80%. In summary, the available evidence is currently insufficient to determine the role of this variant in disease. Therefore, it has been classified as a Variant of Uncertain Significance.

St. Jude Molecular Pathology, St. Jude Children's Research Hospital
Classification: Uncertain significance for Glucose-6-phosphate transport defect. Last evaluated: 2025-06-17. Review status: criteria provided, single submitter. Criteria: St. Jude Assertion Criteria 2020. Collection method: clinical testing. Allele origin: germline.
Comment: The SLC37A4 c.492C>A p.(Ser164Arg) missense change has a maximum subpopulation frequency of 0.03% in gnomAD v2.1.1. In silico tools predict a deleterious effect on protein function, but to our knowledge this prediction has not been confirmed by functional studies. To our knowledge, this variant has not been reported in individuals with glycogen storage diseases. In summary, the evidence currently available is insufficient to determine the clinical significance of this variant. It has therefore been classified as of uncertain significance.

Blueprint Genetics
Classification: Uncertain significance. Last evaluated: 2024-11-06. Review status: criteria provided, single submitter. Criteria: ACMG Guidelines, 2015. Collection method: clinical testing. Allele origin: germline.

Ambry Genetics
Classification: Uncertain significance for Inborn genetic diseases. Last evaluated: 2024-05-30. Review status: criteria provided, single submitter. Criteria: Ambry Variant Classification Scheme 2023. Collection method: clinical testing. Allele origin: germline.
Comment: The p.S164R variant (also known as c.492C>A), located in coding exon 3 of the SLC37A4 gene, results from a C to A substitution at nucleotide position 492. The serine at codon 164 is replaced by arginine, an amino acid with dissimilar properties. This amino acid position is conserved. In addition, this alteration is predicted to be deleterious by in silico analysis. Since supporting evidence is limited at this time, the clinical significance of this alteration remains unclear.

Mayo Clinic Laboratories, Mayo Clinic
Classification: Uncertain significance. Last evaluated: 2024-04-09. Review status: criteria provided, single submitter. Criteria: ACMG Guidelines, 2015. Collection method: clinical testing. Allele origin: germline. Observed: 1 variant allele.

GeneDx
Classification: Uncertain significance. Last evaluated: 2022-11-07. Review status: criteria provided, single submitter. Criteria: GeneDx Variant Classification Process June 2021. Collection method: clinical testing. Allele origin: germline. Affected: yes.
Comment: In silico analysis supports that this missense variant has a deleterious effect on protein structure/function; Has not been previously published as pathogenic or benign to our knowledge; This variant is associated with the following publications: (PMID: 27001614)

Eurofins Ntd Llc (ga)
Classification: Uncertain significance. Last evaluated: 2015-04-06. Review status: criteria provided, single submitter. Criteria: EGL Classification Definitions 2015. Collection method: clinical testing. Allele origin: germline. Observed: 1 variant allele, 1 heterozygote.

Natera, Inc.
Classification: Uncertain significance for Glycogen storage disease type Ib. Last evaluated: 2020-09-16. Review status: no assertion criteria provided. Collection method: clinical testing. Allele origin: germline. Not counted in ClinVar's aggregate classification.

NM_001164277.2(SLC37A4):c.492C>A (p.Ser164Arg)

Gene: SLC37A4 (solute carrier family 37 member 4; minus strand). Cytogenetic location: 11q23.3.
Variant type: single nucleotide variant.
Coding change: c.492C>A on transcript NM_001164277.2 (MANE Select); coding-DNA position 492, C replaced by A.
Protein change: p.Ser164Arg; replaces serine 164 with arginine.
Molecular consequence: missense variant.
Genome position (GRCh38, 1-based): chr11:119,027,762, G>T on the plus strand (C>A on the coding strand, the complement: SLC37A4 is on the minus strand). VCF-style: chr11-119027762-G-T. GRCh37 (hg19) VCF-style: chr11-118898472-G-T.
Other names: p.Ser164Arg; c.492C>A, p.Ser164Arg (NM_001164278.2, NM_001164280.2, NM_001467.6); c.273C>A, p.Ser91Arg (NM_001164279.2); short protein forms S164R, S91R.
Identifiers: ClinVar variation 496949 (VCV000496949.21), dbSNP rs369399624, ClinGen allele CA6311826.